The following is an entry in ClinVar:

NM_001384140.1(PCDH15):c.4305_4310dup (p.Pro1443_Gly1444insProPro)

Gene: PCDH15 (protocadherin related 15; minus strand). Cytogenetic location: 10q21.1.
Variant type: Duplication.
Coding change: c.4305_4310dup on transcript NM_001384140.1 (MANE Select); coding-DNA positions 4305 to 4310, 6 bases duplicated (CCCGCC; older notation c.4305_4310dupCCCGCC).
Protein change: p.Pro1443_Gly1444insProPro.
Molecular consequence: inframe insertion. On other transcripts: inframe indel (1).
Genome position (GRCh38, 1-based): chr10:53,827,450-53,827,455, GGCGGG duplicated on the plus strand (CCCGCC on the coding strand, the reverse complement: PCDH15 is on the minus strand); duplicating any 6 consecutive bases within chr10:53,827,450-53,827,459 gives the same sequence; the c. name uses the placement nearest the transcript's 3' end. VCF-style (leftmost placement, unchanged base first): chr10-53827449-C-CGGCGGG. GRCh37 (hg19) VCF-style: chr10-55587209-C-CGGCGGG.
Other names: c.4320_4325dup, p.Pro1448_Gly1449insProPro (NM_001142763.2, NM_001142771.2); c.4305_4310dup, p.Pro1443_Gly1444insProPro (NM_001142764.2, NM_001142770.3, NM_001142772.2 and 3 more transcripts); c.4092_4097dup, p.Pro1372_Gly1373insProPro (NM_001142765.2); c.4296_4301dup, p.Pro1440_Gly1441insProPro (NM_001142766.2); c.4185_4190dup, p.Pro1403_Gly1404insProPro (NM_001142767.2); c.4239_4244dup, p.Pro1421_Gly1422insProPro (NM_001142768.2, NM_001354404.2); c.4337_4342dup, p.Pro1455_Gly1456insProPro (NM_001142769.4); c.4230_4235dup, p.Pro1418_Gly1419insProPro (NM_001142773.2); and 1 more.
Identifiers: ClinVar variation 552379 (VCV000552379.7), dbSNP rs1327987212, ClinGen allele CA658823221.

ClinVar aggregate classification (germline): Uncertain significance. Review status: criteria provided, single submitter (1 of 4 stars). 2 submissions from 2 submitters: Uncertain significance (1). 1 of the submissions does not count toward it. Last evaluated 2022-05-20.

Conditions:
Usher syndrome type 1F (USH1F). Also called: USHER SYNDROME, TYPE IF. Identifiers: Orphanet 231169, Orphanet 886, MedGen C1865885, MONDO:0011186, OMIM 602083.

Submissions (2):

Labcorp Genetics (formerly Invitae), Labcorp
Classification: Uncertain significance. Last evaluated: 2022-05-20. Review status: criteria provided, single submitter. Criteria: Invitae Variant Classification Sherloc (09022015). Collection method: clinical testing. Allele origin: germline.
Comment: This variant, c.4305_4310dup, results in the insertion of 2 amino acid(s) of the PCDH15 protein (p.Pro1442_Pro1443dup), but otherwise preserves the integrity of the reading frame. This variant is not present in population databases (gnomAD no frequency). This variant has not been reported in the literature in individuals affected with PCDH15-related conditions. ClinVar contains an entry for this variant (Variation ID: 552379). Experimental studies and prediction algorithms are not available or were not evaluated, and the functional significance of this variant is currently unknown. In summary, the available evidence is currently insufficient to determine the role of this variant in disease. Therefore, it has been classified as a Variant of Uncertain Significance.

Counsyl
Classification: Uncertain significance for Usher syndrome type 1F. Last evaluated: 2017-06-20. Review status: no assertion criteria provided. Collection method: clinical testing. Allele origin: unknown. Not counted in ClinVar's aggregate classification.